The following is an entry in ClinVar:

NM_003073.5(SMARCB1):c.859_861del (p.Glu287del)

Gene: SMARCB1 (SWI/SNF related BAF chromatin remodeling complex subunit B1; plus strand). Cytogenetic location: 22q11.23.
Variant type: Deletion.
Coding change: c.859_861del on transcript NM_003073.5 (MANE Select); coding-DNA positions 859 to 861, 3 bases deleted (GAG; older notation c.859_861delGAG).
Protein change: p.Glu287del; deletes glutamic acid 287.
Molecular consequence: inframe deletion.
Genome position (GRCh38, 1-based): chr22:23,825,288-23,825,290, GAG deleted; deleting any 3 consecutive bases within chr22:23,825,286-23,825,290 gives the same sequence; the c. name uses the placement nearest the transcript's 3' end. VCF-style (leftmost placement, unchanged base first): chr22-23825285-AAGG-A. GRCh37 (hg19) VCF-style: chr22-24167472-AAGG-A.
Other names: c.859_861del (NM_003073.3); c.832_834del, p.Glu278del (NM_001007468.3); c.886_888del, p.Glu296del (NM_001317946.2); c.913_915del, p.Glu305del (NM_001362877.2); short protein forms E296del, E305del, E278del, E287del.
Identifiers: ClinVar variation 1511962 (VCV001511962.9), dbSNP rs2146026831, ClinGen allele CA2573157776.
Genomic context (GRCh38, chr22:23,825,285, plus strand): 5'-CTGAACATCCATGTGGGAAACATTTCCCTGGTGGACCAGTTTGAGTGGGACATGTCAGAG[AAGG>A]AGAACTCACCAGAGAAGTTTGCCCTGAAGCTGTGCTCGGAGCTGGGGTTGGGCGGGGAGT-3'

ClinVar aggregate classification (germline): Uncertain significance. Review status: criteria provided, multiple submitters, no conflicts (2 of 4 stars). 2 submissions from 2 submitters: Uncertain significance (2). Last evaluated 2023-12-13.

Submissions (2):

GeneDx
Classification: Uncertain significance. Last evaluated: 2023-12-13. Review status: criteria provided, single submitter. Criteria: GeneDx Variant Classification Process June 2021. Collection method: clinical testing. Allele origin: germline. Affected: yes.
Comment: Not observed at significant frequency in large population cohorts (gnomAD); In-frame deletion of 1 amino acid in a non-repeat region; Has not been previously published as pathogenic or benign to our knowledge; This variant is associated with the following publications: (PMID: 26073604)

Labcorp Genetics (formerly Invitae), Labcorp
Classification: Uncertain significance. Last evaluated: 2021-02-19. Review status: criteria provided, single submitter. Criteria: Invitae Variant Classification Sherloc (09022015). Collection method: clinical testing. Allele origin: germline.
Comment: This variant has not been reported in the literature in individuals with SMARCB1-related conditions. This variant is not present in population databases (ExAC no frequency). This variant, c.859_861del, results in the deletion of 1 amino acid(s) of the SMARCB1 protein (p.Glu287del), but otherwise preserves the integrity of the reading frame. Experimental studies and prediction algorithms are not available or were not evaluated, and the functional significance of this variant is currently unknown. In summary, the available evidence is currently insufficient to determine the role of this variant in disease. Therefore, it has been classified as a Variant of Uncertain Significance.